The following is an entry in ClinVar:

ClinVar aggregate classification (germline): Uncertain significance (1 of 4 stars; one submission).

Conditions:
Dilated cardiomyopathy 1JJ (CMD1JJ). Identifiers: Orphanet 154, MedGen C3808935, MONDO:0014095, OMIM 615235.

Submission:

Labcorp Genetics (formerly Invitae), Labcorp
Classification: Uncertain significance for Dilated cardiomyopathy 1JJ. Last evaluated: 2020-03-10. Review status: criteria provided, single submitter. Criteria: Invitae Variant Classification Sherloc (09022015). Collection method: clinical testing. Allele origin: germline.
Comment: In summary, the available evidence is currently insufficient to determine the role of this variant in disease. Therefore, it has been classified as a Variant of Uncertain Significance. Algorithms developed to predict the effect of missense changes on protein structure and function are either unavailable or do not agree on the potential impact of this missense change (SIFT: "Deleterious"; PolyPhen-2: "Possibly Damaging"; Align-GVGD: "Class C0"). This variant has not been reported in the literature in individuals with LAMA4-related conditions. This variant is not present in population databases (ExAC no frequency). This sequence change replaces alanine with valine at codon 25 of the LAMA4 protein (p.Ala25Val). The alanine residue is moderately conserved and there is a small physicochemical difference between alanine and valine.

NM_001105206.3(LAMA4):c.74C>T (p.Ala25Val)

Genes: LAMA4 (laminin subunit alpha 4; minus strand), LAMA4-AS1 (LAMA4 antisense RNA 1; plus strand). Cytogenetic location: 6q21.
Variant type: single nucleotide variant.
Coding change: c.74C>T on transcript NM_001105206.3 (MANE Select); coding-DNA position 74, C replaced by T.
Protein change: p.Ala25Val; replaces alanine 25 with valine.
Molecular consequence: missense variant.
Genome position (GRCh38, 1-based): chr6:112,254,077, G>A on the plus strand (C>T on the coding strand, the complement: LAMA4 is on the minus strand). VCF-style: chr6-112254077-G-A. GRCh37 (hg19) VCF-style: chr6-112575279-G-A.
Other names: c.74C>T, p.Ala25Val (NM_001105207.3, NM_001105208.3, NM_001105209.3 and 1 more transcripts); short protein forms A25V.
Identifiers: ClinVar variation 1014267 (VCV001014267.8), dbSNP rs1787678640, ClinGen allele CA365518897.